The following is an entry in ClinVar:

ClinVar aggregate classification (germline): Uncertain significance (1 of 4 stars; one submission).

Conditions:
DNA ligase IV deficiency. Identifiers: Orphanet 99812, MedGen C1847827, MONDO:0011686, OMIM 606593.

Allele frequency attached by ClinVar (database versions not stated): gnomAD exomes below 0.00001; TOPMed below 0.00001.
gnomAD v4.1: 3 of 1,614,142 alleles (0.00019%); no homozygotes.

Submission:

Labcorp Genetics (formerly Invitae), Labcorp
Classification: Uncertain significance for DNA ligase IV deficiency. Last evaluated: 2021-05-07. Review status: criteria provided, single submitter. Criteria: Invitae Variant Classification Sherloc (09022015). Collection method: clinical testing. Allele origin: germline.
Comment: This variant is not present in population databases (ExAC no frequency). This variant has not been reported in the literature in individuals with LIG4-related conditions. This sequence change replaces isoleucine with methionine at codon 713 of the LIG4 protein (p.Ile713Met). The isoleucine residue is highly conserved and there is a small physicochemical difference between isoleucine and methionine. Algorithms developed to predict the effect of missense changes on protein structure and function (SIFT, PolyPhen-2, Align-GVGD) all suggest that this variant is likely to be tolerated, but these predictions have not been confirmed by published functional studies and their clinical significance is uncertain. In summary, the available evidence is currently insufficient to determine the role of this variant in disease. Therefore, it has been classified as a Variant of Uncertain Significance.

NM_206937.2(LIG4):c.2139T>G (p.Ile713Met)

Gene: LIG4 (DNA ligase 4; minus strand). Cytogenetic location: 13q33.3.
Variant type: single nucleotide variant.
Coding change: c.2139T>G on transcript NM_206937.2 (MANE Select); coding-DNA position 2139, T replaced by G.
Protein change: p.Ile713Met; replaces isoleucine 713 with methionine.
Molecular consequence: missense variant.
Genome position (GRCh38, 1-based): chr13:108,209,130, A>C on the plus strand (T>G on the coding strand, the complement: LIG4 is on the minus strand). VCF-style: chr13-108209130-A-C. GRCh37 (hg19) VCF-style: chr13-108861478-A-C.
Other names: c.2139T>G, p.Ile713Met (NM_001098268.2, NM_001352598.2, NM_001352599.2 and 6 more transcripts); c.1938T>G, p.Ile646Met (NM_001330595.2); c.2175T>G, p.Ile725Met (NM_001352604.2); short protein forms I713M, I646M, I725M.
Identifiers: ClinVar variation 1522669 (VCV001522669.8), dbSNP rs1878277031, ClinGen allele CA388613940.
Genomic context (GRCh38, chr13:108,209,130, plus strand): 5'-TTTGGTCTTAAAACATTCTAAAAGCCATGCAGGCTTGACAACATCATGTTTATTTGACAA[A>C]ATTATGTTTTTCACTCTGATGTTCTCAGACCCTGCAATTACACAGTACGTGTCTGGGCCT-3'
Protein context (NP_996820.1, residues 703-723): GSENIRVKNI[Ile713Met]LSNKHDVVKP